The following is an entry in ClinVar:

NM_000548.5(TSC2):c.2359G>C (p.Glu787Gln)

Gene: TSC2 (TSC complex subunit 2; plus strand). Cytogenetic location: 16p13.3.
Variant type: single nucleotide variant.
Coding change: c.2359G>C on transcript NM_000548.5 (MANE Select); coding-DNA position 2359, G replaced by C.
Protein change: p.Glu787Gln; replaces glutamic acid 787 with glutamine.
Molecular consequence: missense variant. On other transcripts: non-coding transcript variant (5).
Genome position (GRCh38, 1-based): chr16:2,074,203, G>C. VCF-style: chr16-2074203-G-C. GRCh37 (hg19) VCF-style: chr16-2124204-G-C.
Other names: c.2248G>C, p.Glu750Gln (NM_001406670.1, NM_001406678.1, NM_001318827.2); c.2347G>C, p.Glu783Gln (NM_001406671.1, NM_001406673.1); c.2212G>C, p.Glu738Gln (NM_001406675.1, NM_001406676.1, NM_001406679.1 and 1 more transcripts); c.2302G>C, p.Glu768Gln (NM_001406677.1); c.1759G>C, p.Glu587Gln (NM_001406680.1, NM_001406682.1, NM_001406683.1 and 6 more transcripts); c.1897G>C, p.Glu633Gln (NM_001406681.1); c.2392G>C, p.Glu798Gln (NM_001318832.2); c.2359G>C, p.Glu787Gln (NM_001363528.2, NM_001370404.1, NM_001370405.1 and 6 more transcripts); and 3 more; short protein forms E633Q, E750Q, E817Q, E587Q, E798Q, E253Q, E339Q, E738Q.
Identifiers: ClinVar variation 3700103 (VCV003700103.2).

ClinVar aggregate classification (germline): Uncertain significance (1 of 4 stars; one submission).

Conditions:
Tuberous sclerosis 2 (TSC2). Identifiers: Orphanet 805, MedGen C1860707, MONDO:0013199, OMIM 613254.

Submission:

Labcorp Genetics (formerly Invitae), Labcorp
Classification: Uncertain significance for Tuberous sclerosis 2. Last evaluated: 2025-01-21. Review status: criteria provided, single submitter. Criteria: Invitae Variant Classification Sherloc (09022015). Collection method: clinical testing. Allele origin: germline.
Comment: This sequence change replaces glutamic acid, which is acidic and polar, with glutamine, which is neutral and polar, at codon 787 of the TSC2 protein (p.Glu787Gln). This variant is not present in population databases (gnomAD no frequency). This variant has not been reported in the literature in individuals affected with TSC2-related conditions. Invitae Evidence Modeling of protein sequence and biophysical properties (such as structural, functional, and spatial information, amino acid conservation, physicochemical variation, residue mobility, and thermodynamic stability) indicates that this missense variant is not expected to disrupt TSC2 protein function with a negative predictive value of 95%. In summary, the available evidence is currently insufficient to determine the role of this variant in disease. Therefore, it has been classified as a Variant of Uncertain Significance.